The following is an entry in ClinVar:

NM_181486.4(TBX5):c.1217C>G (p.Ser406Cys)

Gene: TBX5 (T-box transcription factor 5; minus strand). Cytogenetic location: 12q24.21.
Variant type: single nucleotide variant.
Coding change: c.1217C>G on transcript NM_181486.4 (MANE Select); coding-DNA position 1217, C replaced by G.
Protein change: p.Ser406Cys; replaces serine 406 with cysteine.
Molecular consequence: missense variant.
Genome position (GRCh38, 1-based): chr12:114,355,872, G>C on the plus strand (C>G on the coding strand, the complement: TBX5 is on the minus strand). VCF-style: chr12-114355872-G-C. GRCh37 (hg19) VCF-style: chr12-114793677-G-C.
Other names: c.1217C>G, p.Ser406Cys (NM_000192.3); c.1067C>G, p.Ser356Cys (NM_080717.4); short protein forms S356C, S406C.
Identifiers: ClinVar variation 3230600 (VCV003230600.1), dbSNP rs1253119046, ClinGen allele CA386925532.
Genomic context (GRCh38, chr12:114,355,872, plus strand): 5'-AAGTGCTGGTAGGGTAGCCTGTCCATGGGCTGCACGGTGGTGACGGTGCAGCTGCTGTAG[G>C]AAGGCATGCTTGGCCACGTGTTGCAGCTGATGTCCTCTAGGCTGGGCACAGGCTCGCTGG-3'
Protein context (NP_852259.1, residues 396-416): ISCNTWPSMP[Ser406Cys]YSSCTVTTVQ

ClinVar aggregate classification (germline): Uncertain significance (1 of 4 stars; one submission).

Conditions:
Cardiovascular phenotype. Identifiers: MedGen CN230736.

Allele frequency attached by ClinVar (database versions not stated): TOPMed 0.00001.

Submission:

Ambry Genetics
Classification: Uncertain significance for Cardiovascular phenotype. Last evaluated: 2023-10-12. Review status: criteria provided, single submitter. Criteria: Ambry Variant Classification Scheme 2023. Collection method: clinical testing. Allele origin: germline.
Comment: The p.S406C variant (also known as c.1217C>G), located in coding exon 8 of the TBX5 gene, results from a C to G substitution at nucleotide position 1217. The serine at codon 406 is replaced by cysteine, an amino acid with dissimilar properties. This amino acid position is conserved. In addition, this alteration is predicted to be tolerated by in silico analysis. Since supporting evidence is limited at this time, the clinical significance of this alteration remains unclear.